The following is an entry in ClinVar:

NM_002474.3(MYH11):c.5360G>A (p.Arg1787Gln)

Genes: NDE1 (nudE neurodevelopment protein 1; plus strand), MYH11 (myosin heavy chain 11; minus strand). Cytogenetic location: 16p13.11.
Variant type: single nucleotide variant.
Coding change: c.5360G>A on transcript NM_002474.3 (MANE Select); coding-DNA position 5360, G replaced by A.
Protein change: p.Arg1787Gln; replaces arginine 1787 with glutamine.
Molecular consequence: missense variant. On other transcripts: intron variant (2).
Genome position (GRCh38, 1-based): chr16:15,717,284, C>T on the plus strand (G>A on the coding strand, the complement: MYH11 is on the minus strand). VCF-style: chr16-15717284-C-T. GRCh37 (hg19) VCF-style: chr16-15811141-C-T.
Other names: c.5381G>A, p.Arg1794Gln (NM_001040113.2, NM_001040114.2); c.5360G>A, p.Arg1787Gln (NM_022844.3); c.948-6907C>T (NM_001143979.2, NM_017668.3); short protein forms R1787Q, R1794Q.
Identifiers: ClinVar variation 264024 (VCV000264024.10), dbSNP rs759000207, ClinGen allele CA10587886.

ClinVar aggregate classification (germline): Uncertain significance. Review status: criteria provided, multiple submitters, no conflicts (2 of 4 stars). 2 submissions from 2 submitters: Uncertain significance (2). Last evaluated 2023-10-12.

Conditions:
Familial thoracic aortic aneurysm and aortic dissection (TAAD). Also called: Thoracic aortic aneurysms and dissections. Identifiers: Orphanet 91387, MedGen C4707243, MONDO:0019625.

Allele frequency attached by ClinVar (database versions not stated): gnomAD 0.00001; gnomAD exomes 0.00001.
gnomAD v4.1: 17 of 1,613,472 alleles (0.0011%); highest among the groups gnomAD compares: Non-Finnish European, 0.0014%; no homozygotes.

Submissions (2):

Color Diagnostics, LLC DBA Color Health
Classification: Uncertain significance for Familial thoracic aortic aneurysm and aortic dissection. Last evaluated: 2023-10-12. Review status: criteria provided, single submitter. Criteria: ACMG Guidelines, 2015. Collection method: clinical testing. Allele origin: germline.
Comment: This missense variant replaces arginine with glutamine at codon 1794 of the MYH11 protein. Computational prediction suggests that this variant may have deleterious impact on protein structure and function (internally defined REVEL score threshold >= 0.7, PMID: 27666373). To our knowledge, functional studies have not been reported for this variant. This variant has not been reported in individuals affected with MYH11-related disorders in the literature. This variant has not been identified in the general population by the Genome Aggregation Database (gnomAD). The available evidence is insufficient to determine the role of this variant in disease conclusively. Therefore, this variant is classified as a Variant of Uncertain Significance.

Ambry Genetics
Classification: Uncertain significance for Familial thoracic aortic aneurysm and aortic dissection. Last evaluated: 2015-05-11. Review status: criteria provided, single submitter. Criteria: Ambry Variant Classification Scheme 2023. Collection method: clinical testing. Allele origin: germline.
Comment: The p.R1787Q variant (also known as c.5360G>A), located in coding exon 37 of the MYH11 gene, results from a G to A substitution at nucleotide position 5360. The arginine at codon 1787 is replaced by glutamine, an amino acid with highly similar properties. This variant was not reported in population based cohorts in the following databases: Database of Single Nucleotide Polymorphisms (dbSNP), NHLBI Exome Sequencing Project (ESP), and 1000 Genomes Project. In the ESP, this variant was not observed in 6497 samples (12994 alleles) with coverage at this position. This amino acid position is highly conserved in available vertebrate species. In addition, the in silico prediction for this alteration is inconclusive. Since supporting evidence is limited at this time, the clinical significance of this variant remains unclear.